The following is an entry in ClinVar:

ClinVar aggregate classification (germline): Pathogenic (1 of 4 stars; one submission).

Conditions:
Hereditary breast ovarian cancer syndrome. Also called: BRCA1- and BRCA2-Associated Hereditary Breast and Ovarian Cancer; Breast and ovarian cancer; Hereditary breast and/or ovarian cancer syndrome; Hereditary breast and ovarian cancer; Hereditary breast and ovarian cancer syndrome (HBOC); Hereditary breast and ovarian cancer syndrome. Identifiers: Orphanet 145, MedGen C0677776, MeSH D061325, MONDO:0003582. Disease mechanism: loss of function.

Submission:

Labcorp Genetics (formerly Invitae), Labcorp
Classification: Pathogenic for Hereditary breast ovarian cancer syndrome. Last evaluated: 2024-04-15. Review status: criteria provided, single submitter. Criteria: Invitae Variant Classification Sherloc (09022015). Collection method: clinical testing. Allele origin: germline.
Comment: This sequence change creates a premature translational stop signal (p.Asn30Lysfs*4) in the BRCA2 gene. It is expected to result in an absent or disrupted protein product. Loss-of-function variants in BRCA2 are known to be pathogenic (PMID: 20104584). This variant is not present in population databases (gnomAD no frequency). This variant has not been reported in the literature in individuals affected with BRCA2-related conditions. For these reasons, this variant has been classified as Pathogenic.

Literature cited by the submitters: PubMed 20104584.

NM_000059.4(BRCA2):c.89dup (p.Asn30fs)

Gene: BRCA2 (BRCA2 DNA repair associated; plus strand). Cytogenetic location: 13q13.1.
Variant type: Duplication.
Coding change: c.89dup on transcript NM_000059.4 (MANE Select); coding-DNA position 89, one base duplicated (A; older notation c.89dupA).
Protein change: p.Asn30fs; shifts the reading frame from asparagine 30.
Molecular consequence: frameshift variant. On other transcripts: 5 prime UTR variant (1), non-coding transcript variant (1).
Genome position (GRCh38, 1-based): chr13:32,319,098, A duplicated; the last of 2 consecutive A bases (chr13:32,319,097-32,319,098); duplicating either gives the same sequence. VCF-style (leftmost placement, unchanged base first): chr13-32319096-T-TA. GRCh37 (hg19) VCF-style: chr13-32893233-T-TA.
Other names: c.89dup, p.Asn30fs (NM_001406719.1, NM_001406720.1, NM_001406721.1); c.-281dup (NM_001406722.1); short protein forms N30fs.
Identifiers: ClinVar variation 2747520 (VCV002747520.3), dbSNP rs2548511121, ClinGen allele CA2697551712.